The following is an entry in ClinVar:

NM_144631.6(ZNF513):c.834G>A (p.Val278=)

Gene: ZNF513 (zinc finger protein 513; minus strand). Cytogenetic location: 2p23.3.
Variant type: single nucleotide variant.
Coding change: c.834G>A on transcript NM_144631.6 (MANE Select); coding-DNA position 834, G replaced by A.
Protein change: p.Val278=; no amino-acid change (valine 278 retained).
Molecular consequence: synonymous variant.
Genome position (GRCh38, 1-based): chr2:27,378,337, C>T on the plus strand (G>A on the coding strand, the complement: ZNF513 is on the minus strand). VCF-style: chr2-27378337-C-T. GRCh37 (hg19) VCF-style: chr2-27601204-C-T.
Other names: c.648G>A, p.Val216= (NM_001201459.2); c.834G>A (NM_144631.5).
Identifiers: ClinVar variation 1126260 (VCV001126260.11), dbSNP rs773556043, ClinGen allele CA1577927.

ClinVar aggregate classification (germline): Likely benign. Review status: criteria provided, multiple submitters, no conflicts (2 of 4 stars). 3 submissions from 3 submitters: Likely benign (3). Last evaluated 2026-02-18.

Conditions:
ZNF513-related disorder. Also called: ZNF513-related condition.

Allele frequency attached by ClinVar (database versions not stated): gnomAD 0.00002; TOPMed 0.00002; ExAC 0.00005; gnomAD exomes 0.00010.

Submissions (3):

PreventionGenetics, part of Exact Sciences
Classification: Likely benign for ZNF513-related condition. Last evaluated: 2026-02-18. Review status: criteria provided, single submitter. Criteria: ACMG Guidelines, 2015. Collection method: clinical testing. Allele origin: germline.
Comment: This variant is classified as likely benign based on ACMG/AMP sequence variant interpretation guidelines (Richards et al. 2015 PMID: 25741868, with internal and published modifications).

Labcorp Genetics (formerly Invitae), Labcorp
Classification: Likely benign. Last evaluated: 2025-09-02. Review status: criteria provided, single submitter. Criteria: Invitae Variant Classification Sherloc (09022015). Collection method: clinical testing. Allele origin: germline.

Blueprint Genetics
Classification: Likely benign. Last evaluated: 2023-04-14. Review status: criteria provided, single submitter. Criteria: ACMG Guidelines, 2015. Collection method: clinical testing. Allele origin: germline.